The following is an entry in ClinVar:

ClinVar aggregate classification (germline): Uncertain significance (1 of 4 stars; one submission).

Submission:

Labcorp Genetics (formerly Invitae), Labcorp
Classification: Uncertain significance. Last evaluated: 2025-09-15. Review status: criteria provided, single submitter. Criteria: Invitae Variant Classification Sherloc (09022015). Collection method: clinical testing. Allele origin: germline.
Comment: This sequence change replaces glycine, which is neutral and non-polar, with arginine, which is basic and polar, at codon 264 of the KIF23 protein (p.Gly264Arg). This variant is not present in population databases (gnomAD no frequency). This variant has not been reported in the literature in individuals affected with KIF23-related conditions. Invitae Evidence Modeling of protein sequence and biophysical properties (such as structural, functional, and spatial information, amino acid conservation, physicochemical variation, residue mobility, and thermodynamic stability) indicates that this missense variant is expected to disrupt KIF23 protein function with a positive predictive value of 80%. In summary, the available evidence is currently insufficient to determine the role of this variant in disease. Therefore, it has been classified as a Variant of Uncertain Significance.

NM_001367805.3(KIF23):c.832G>C (p.Gly278Arg)

Gene: KIF23 (kinesin family member 23; plus strand). Cytogenetic location: 15q23.
Variant type: single nucleotide variant.
Coding change: c.832G>C on transcript NM_001367805.3 (MANE Select); coding-DNA position 832, G replaced by C.
Protein change: p.Gly278Arg; replaces glycine 278 with arginine.
Molecular consequence: missense variant. On other transcripts: non-coding transcript variant (2).
Genome position (GRCh38, 1-based): chr15:69,426,125, G>C. VCF-style: chr15-69426125-G-C. GRCh37 (hg19) VCF-style: chr15-69718464-G-C.
Other names: c.460G>C, p.Gly154Arg (NM_001281301.2); c.790G>C, p.Gly264Arg (NM_001367804.2, NM_004856.7, NM_138555.4); short protein forms G154R, G264R, G278R.
Identifiers: ClinVar variation 4770048 (VCV004770048.1).